The following is an entry in ClinVar:

ClinVar aggregate classification (germline): Uncertain significance. Review status: criteria provided, multiple submitters, no conflicts (2 of 4 stars). 7 submissions from 7 submitters: Uncertain significance (5). 2 of the submissions do not count toward it. Last evaluated 2025-11-04.

Conditions:
Wolman disease (WOLD). Also called: Wolman disease, CESD; LYSOSOMAL ACID LIPASE DEFICIENCY, ACUTE INFANTILE; LYSOSOMAL ACID LIPASE DEFICIENCY, COMPLETE; LIPA DEFICIENCY, COMPLETE; LAL DEFICIENCY, COMPLETE; CHOLESTEROL ESTER HYDROLASE DEFICIENCY, COMPLETE. Identifiers: Orphanet 75233, MedGen C0043208, MONDO:0019148, OMIM 620151.
LIPA-related disorder. Also called: LIPA-related condition; LIPA-related disorders.
Cholesteryl ester storage disease (CESD). Also called: Childhood/Adult-Onset LAL-D (Cholesterol Ester Storage Disease [CESD]). Identifiers: Orphanet 75234, MedGen C0008384, MONDO:0019149, OMIM 278000.
Lysosomal acid lipase deficiency. Also called: Acid cholesteryl ester hydrolase deficiency, type 2. Identifiers: Orphanet 275761, MedGen C5574740, MONDO:0800449, MONDO:0010204.

Allele frequency attached by ClinVar (database versions not stated): gnomAD 0.00015 and 0.00017; gnomAD exomes 0.00015; ExAC 0.00020; TOPMed 0.00026; 1000 Genomes Project 30x 0.00031; ESP Exome Variant Server 0.00031; 1000 Genomes Project 0.00040.
gnomAD v4.1: 229 of 1,601,534 alleles (0.014%); highest among the groups gnomAD compares: Admixed American, 0.045%; no homozygotes.

Submissions (10):

PreventionGenetics, part of Exact Sciences
Classification: Uncertain significance for LIPA-related condition. Last evaluated: 2025-11-04. Review status: criteria provided, single submitter. Criteria: ACMG Guidelines, 2015. Collection method: clinical testing. Allele origin: germline.
Comment: The LIPA c.966+3A>T variant is predicted to interfere with splicing. This variant is predicted to impact splicing based on splicing prediction programs (SpliceAI, Jaganathan et al. 2019. PubMed ID: 30661751). This variant has been reported in the heterozygous state in an individual with hypercholesterolaemia (Sjouke et al. 2016. PubMed ID: 27423329). This variant has been reported in 0.028% of alleles in individuals of Latino descent in gnomAD. At this time, the clinical significance of this variant is uncertain due to the absence of conclusive functional and genetic evidence.

Women's Health and Genetics/Laboratory Corporation of America, LabCorp
Classification: Uncertain significance. Last evaluated: 2023-04-04. Review status: criteria provided, single submitter. Criteria: LabCorp Variant Classification Summary - May 2015. Collection method: clinical testing. Allele origin: germline.
Comment: Variant summary: LIPA c.966+3A>T alters a conserved nucleotide located close to a canonical splice site and therefore could affect mRNA splicing, leading to a significantly altered protein sequence. 4/4 computational tools predict no significant impact on normal splicing. However, these predictions have yet to be confirmed by functional studies. The variant allele was found at a frequency of 0.00015 in 251392 control chromosomes (gnomAD). This frequency is not significantly higher than estimated for a pathogenic variant in LIPA causing Lysosomal Acid Lipase Deficiency (0.00015 vs 0.0027), allowing no conclusion about variant significance. c.966+3A>T has been reported in the literature in an individual affected with familial hypercholesterolemia (example:Sjouke_2016). These report(s) do not provide unequivocal conclusions about association of the variant with Lysosomal Acid Lipase Deficiency. To our knowledge, no experimental evidence demonstrating an impact on protein function has been reported. Five clinical diagnostic laboratories have submitted clinical-significance assessments for this variant to ClinVar after 2014 and all classified the variant as uncertain significance. Based on the evidence outlined above, the variant was classified as uncertain significance.

Labcorp Genetics (formerly Invitae), Labcorp
Classification: Uncertain significance for Wolman disease. Last evaluated: 2022-10-13. Review status: criteria provided, single submitter. Criteria: Invitae Variant Classification Sherloc (09022015). Collection method: clinical testing. Allele origin: germline.
Comment: This sequence change falls in intron 9 of the LIPA gene. It does not directly change the encoded amino acid sequence of the LIPA protein. It affects a nucleotide within the consensus splice site. This variant is present in population databases (rs201242614, gnomAD 0.03%). This variant has been observed in individual(s) with hypercholesterolemia (PMID: 27423329). ClinVar contains an entry for this variant (Variation ID: 499076). Variants that disrupt the consensus splice site are a relatively common cause of aberrant splicing (PMID: 17576681, 9536098). Algorithms developed to predict the effect of sequence changes on RNA splicing suggest that this variant may disrupt the consensus splice site. In summary, the available evidence is currently insufficient to determine the role of this variant in disease. Therefore, it has been classified as a Variant of Uncertain Significance.

Fulgent Genetics
Classification: Uncertain significance for Cholesteryl ester storage disease. Last evaluated: 2021-07-26. Review status: criteria provided, single submitter. Criteria: ACMG Guidelines, 2015. Collection method: clinical testing. Allele origin: unknown.

Eurofins Ntd Llc (ga)
Classification: Uncertain significance. Last evaluated: 2018-07-09. Review status: criteria provided, single submitter. Criteria: EGL ClinVar v180209 classification definitions. Collection method: clinical testing. Allele origin: germline. Observed: 7 variant alleles, 7 heterozygotes.

Natera, Inc.
Classification: Uncertain significance for Lysosomal acid lipase deficiency. Last evaluated: 2020-01-31. Review status: no assertion criteria provided. Collection method: clinical testing. Allele origin: germline. Not counted in ClinVar's aggregate classification.

Counsyl
Classification: Uncertain significance for Cholesteryl ester storage disease. Last evaluated: 2017-03-20. Review status: no assertion criteria provided. Collection method: clinical testing. Allele origin: unknown. Not counted in ClinVar's aggregate classification.

Dr. Peter K. Rogan Lab, Western University
No classification provided (evidence only). Condition: Colon adenocarcinoma. Review status: no classification provided. Collection method: in vitro. Allele origin: not applicable. Functional consequence: skipped exon. Not counted in ClinVar's aggregate classification.

Dr. Peter K. Rogan Lab, Western University
No classification provided (evidence only). Condition: Cervical cancer. Review status: no classification provided. Collection method: in vitro. Allele origin: not applicable. Functional consequence: skipped exon, retained intron. Not counted in ClinVar's aggregate classification.

Dr. Peter K. Rogan Lab, Western University
No classification provided (evidence only). Condition: Ovarian serous cystadenocarcinoma. Review status: no classification provided. Collection method: in vitro. Allele origin: not applicable. Functional consequence: retained intron. Not counted in ClinVar's aggregate classification.

Literature cited by the submitters: PubMed 27423329 (cited by 3 submitters); PubMed 17576681 (cited by Labcorp Genetics (formerly Invitae), Labcorp); PubMed 9536098 (cited by Labcorp Genetics (formerly Invitae), Labcorp).

NM_000235.4(LIPA):c.966+3A>T

Gene: LIPA (lipase A, lysosomal acid type; minus strand). Cytogenetic location: 10q23.31.
Variant type: single nucleotide variant.
Coding change: c.966+3A>T on transcript NM_000235.4 (MANE Select); 3 bases into the intron after coding-DNA position 966, A replaced by T.
Molecular consequence: intron variant.
Genome position (GRCh38, 1-based): chr10:89,215,935, T>A on the plus strand (A>T on the coding strand, the complement: LIPA is on the minus strand). VCF-style: chr10-89215935-T-A. GRCh37 (hg19) VCF-style: chr10-90975692-T-A.
Other names: c.618+3A>T (NM_001288979.2); c.966+3A>T (NM_001127605.3).
Identifiers: ClinVar variation 499076 (VCV000499076.18), dbSNP rs201242614, ClinGen allele CA5593556.